The following is an entry in ClinVar:

NM_002471.4(MYH6):c.1862T>A (p.Leu621His)

Gene: MYH6 (myosin heavy chain 6; minus strand). Cytogenetic location: 14q11.2.
Variant type: single nucleotide variant.
Coding change: c.1862T>A on transcript NM_002471.4 (MANE Select); coding-DNA position 1862, T replaced by A.
Protein change: p.Leu621His; replaces leucine 621 with histidine.
Molecular consequence: missense variant.
Genome position (GRCh38, 1-based): chr14:23,398,757, A>T on the plus strand (T>A on the coding strand, the complement: MYH6 is on the minus strand). VCF-style: chr14-23398757-A-T. GRCh37 (hg19) VCF-style: chr14-23867966-A-T.
Other names: short protein forms L621H.
Identifiers: ClinVar variation 3360206 (VCV003360206.2).

ClinVar aggregate classification (germline): Uncertain significance (1 of 4 stars; one submission).

gnomAD v4.1: 10 of 1,614,200 alleles (0.00062%); highest among the groups gnomAD compares: Admixed American, 0.017%; no homozygotes.

Submission:

GeneDx
Classification: Uncertain significance. Last evaluated: 2025-12-03. Review status: criteria provided, single submitter. Criteria: GeneDx Variant Classification Process June 2021. Collection method: clinical testing. Allele origin: germline.
Comment: In silico analysis supports that this missense variant has a deleterious effect on protein structure/function; Has not been previously published as pathogenic or benign to our knowledge